The following is an entry in ClinVar:

ClinVar aggregate classification (germline): Uncertain significance (1 of 4 stars; one submission).

gnomAD v4.1: 18 of 1,613,352 alleles (0.0011%); highest among the groups gnomAD compares: South Asian, 0.014%; 1 homozygote.

Submission:

Ambry Genetics
Classification: Uncertain significance. Last evaluated: 2025-05-08. Review status: criteria provided, single submitter. Criteria: Ambry Variant Classification Scheme 2023. Collection method: clinical testing. Allele origin: germline.
Comment: The p.I527V variant (also known as c.1579A>G), located in coding exon 10 of the MYOM1 gene, results from an A to G substitution at nucleotide position 1579. The isoleucine at codon 527 is replaced by valine, an amino acid with highly similar properties. This amino acid position is conserved. In addition, this alteration is predicted to be tolerated by in silico analysis. Based on the available evidence, the clinical significance of this variant remains unclear.

NM_003803.4(MYOM1):c.1579A>G (p.Ile527Val)

Gene: MYOM1 (myomesin 1; minus strand). Cytogenetic location: 18p11.31.
Variant type: single nucleotide variant.
Coding change: c.1579A>G on transcript NM_003803.4 (MANE Select); coding-DNA position 1579, A replaced by G.
Protein change: p.Ile527Val; replaces isoleucine 527 with valine.
Molecular consequence: missense variant.
Genome position (GRCh38, 1-based): chr18:3,155,011, T>C on the plus strand (A>G on the coding strand, the complement: MYOM1 is on the minus strand). VCF-style: chr18-3155011-T-C. GRCh37 (hg19) VCF-style: chr18-3155009-T-C.
Other names: c.1579A>G, p.Ile527Val (NM_019856.2); short protein forms I527V.
Identifiers: ClinVar variation 3916556 (VCV003916556.1).